The following is an entry in ClinVar:

NM_004415.4(DSP):c.3712C>G (p.Gln1238Glu)

Gene: DSP (desmoplakin; plus strand). Cytogenetic location: 6p24.3.
Variant type: single nucleotide variant.
Coding change: c.3712C>G on transcript NM_004415.4 (MANE Select); coding-DNA position 3712, C replaced by G.
Protein change: p.Gln1238Glu; replaces glutamine 1238 with glutamic acid.
Molecular consequence: missense variant. On other transcripts: intron variant (1).
Genome position (GRCh38, 1-based): chr6:7,579,902, C>G. VCF-style: chr6-7579902-C-G. GRCh37 (hg19) VCF-style: chr6-7580135-C-G.
Other names: c.3712C>G, p.Gln1238Glu (NM_001319034.2); c.3582+130C>G (NM_001008844.3); short protein forms Q1238E.
Identifiers: ClinVar variation 1366058 (VCV001366058.6), dbSNP rs767519046, ClinGen allele CA16622018.

ClinVar aggregate classification (germline): Uncertain significance (1 of 4 stars; one submission).

Conditions:
Arrhythmogenic cardiomyopathy with wooly hair and keratoderma. Also called: Arrhythmogenic cardiomyopathy with woolly hair and keratoderma; Carvajal syndrome; PALMOPLANTAR KERATODERMA WITH LEFT VENTRICULAR CARDIOMYOPATHY AND WOOLLY HAIR; Dilated cardiomyopathy with woolly hair and keratoderma. Identifiers: Orphanet 65282, MedGen C1854063, MONDO:0011581, OMIM 605676.
Arrhythmogenic right ventricular dysplasia 8 (ARVD8). Also called: Arrhythmogenic Right Ventricular Dysplasia/Cardiomyopathy 8; ARRHYTHMOGENIC RIGHT VENTRICULAR DYSPLASIA, FAMILIAL, 8; ARRHYTHMOGENIC RIGHT VENTRICULAR CARDIOMYOPATHY 8. Identifiers: MedGen C1843896, MONDO:0011831, OMIM 607450.

Submission:

Labcorp Genetics (formerly Invitae), Labcorp
Classification: Uncertain significance for Arrhythmogenic cardiomyopathy with wooly hair and keratoderma; Arrhythmogenic right ventricular dysplasia 8. Last evaluated: 2023-07-07. Review status: criteria provided, single submitter. Criteria: Invitae Variant Classification Sherloc (09022015). Collection method: clinical testing. Allele origin: germline.
Comment: ClinVar contains an entry for this variant (Variation ID: 1366058). This variant is not present in population databases (gnomAD no frequency). This sequence change replaces glutamine, which is neutral and polar, with glutamic acid, which is acidic and polar, at codon 1238 of the DSP protein (p.Gln1238Glu). An algorithm developed to predict the effect of missense changes on protein structure and function (PolyPhen-2) suggests that this variant is likely to be tolerated. In summary, the available evidence is currently insufficient to determine the role of this variant in disease. Therefore, it has been classified as a Variant of Uncertain Significance. This variant has not been reported in the literature in individuals affected with DSP-related conditions.